The following is an entry in ClinVar:

ClinVar aggregate classification (germline): Benign. Review status: criteria provided, multiple submitters, no conflicts (2 of 4 stars). 6 submissions from 6 submitters: Benign (6). Last evaluated 2026-02-04.

Conditions:
Immunodeficiency 51 (IMD51). Also called: CANDIDIASIS, FAMILIAL, 5. Identifiers: Orphanet 1334, MedGen C4310803, MONDO:0013500, OMIM 613953.

Allele frequency attached by ClinVar (database versions not stated): 1000 Genomes Project 0.24261; ExAC 0.24633; 1000 Genomes Project 30x 0.24656; gnomAD 0.25992; TOPMed 0.26674; ESP Exome Variant Server 0.26729.

Submissions (6):

Labcorp Genetics (formerly Invitae), Labcorp
Classification: Benign for Immunodeficiency 51. Last evaluated: 2026-02-04. Review status: criteria provided, single submitter. Criteria: Invitae Variant Classification Sherloc (09022015). Collection method: clinical testing. Allele origin: germline.

Unidad de Genómica Garrahan, Hospital de Pediatría Garrahan
Classification: Benign. Last evaluated: 2024-01-24. Review status: criteria provided, single submitter. Criteria: ACMG Guidelines, 2015. Collection method: clinical testing. Allele origin: germline. Affected: no. Observed: 40 variant alleles.
Comment: This variant is classified as Benign based on local population frequency. This variant was detected in 42% of patients studied by a panel of primary immunodeficiencies. Number of patients: 40. Only high quality variants are reported.

Mayo Clinic Laboratories, Mayo Clinic
Classification: Benign. Last evaluated: 2022-09-06. Review status: criteria provided, single submitter. Criteria: ACMG Guidelines, 2015. Collection method: clinical testing. Allele origin: germline. Observed: 36 variant alleles.

GeneDx
Classification: Benign. Last evaluated: 2019-05-17. Review status: criteria provided, single submitter. Criteria: GeneDx Variant Classification Process June 2021. Collection method: clinical testing. Allele origin: germline. Affected: yes.

Laboratory for Molecular Medicine, Mass General Brigham Personalized Medicine
Classification: Benign. Last evaluated: 2016-03-29. Review status: criteria provided, single submitter. Criteria: LMM Criteria. Collection method: clinical testing. Allele origin: germline.
Comment: Variant identified in a genome or exome case(s) and assessed due to predicted null impact of the variant or pathogenic assertions in the literature or databases. Disclaimer: This variant has not undergone full assessment. The following are preliminary notes: Frequency

Breakthrough Genomics
Classification: Benign. Review status: criteria provided, single submitter. Criteria: ACMG Guidelines, 2015. Collection method: not provided. Allele origin: germline. Inheritance: Autosomal recessive inheritance. Affected: yes.

NM_014339.7(IL17RA):c.2160C>T (p.Pro720=)

Gene: IL17RA (interleukin 17 receptor A; plus strand). Cytogenetic location: 22q11.1.
Variant type: single nucleotide variant.
Coding change: c.2160C>T on transcript NM_014339.7 (MANE Select); coding-DNA position 2160, C replaced by T.
Protein change: p.Pro720=; no amino-acid change (proline 720 retained).
Molecular consequence: synonymous variant.
Genome position (GRCh38, 1-based): chr22:17,109,379, C>T. VCF-style: chr22-17109379-C-T. GRCh37 (hg19) VCF-style: chr22-17590269-C-T.
Other names: p.Pro720=; c.2160C>T (NM_014339.5); c.2058C>T, p.Pro686= (NM_001289905.2).
Identifiers: ClinVar variation 340608 (VCV000340608.22), dbSNP rs4819555, ClinGen allele CA10086922.
Genomic context (GRCh38, chr22:17,109,379, plus strand): 5'-CGAGGCCTGCCCGCTGCTGGGCAGCCCGGGCGCTGGGCGAAATAGCGTCCTCTTCCTCCC[C>T]GTGGACCCCGAGGACTCGCCCCTTGGCAGCAGCACCCCCATGGCGTCTCCTGACCTCCTT-3'
Protein context (NP_055154.3, residues 710-730): GAGRNSVLFL[Pro720=]VDPEDSPLGS